The following is an entry in ClinVar:

ClinVar aggregate classification (germline): Uncertain significance (1 of 4 stars; one submission).

Conditions:
Idiopathic generalized epilepsy. Also called: Generalised epilepsy; EIG. Identifiers: MedGen C0270850, MONDO:0005579, OMIM 600669.

Allele frequency attached by ClinVar (database versions not stated): gnomAD 0.00001.
gnomAD v4.1: 4 of 1,614,022 alleles (0.00025%); highest among the groups gnomAD compares: East Asian, 0.0022%; no homozygotes.

Submission:

Labcorp Genetics (formerly Invitae), Labcorp
Classification: Uncertain significance for Idiopathic generalized epilepsy. Last evaluated: 2022-10-29. Review status: criteria provided, single submitter. Criteria: Invitae Variant Classification Sherloc (09022015). Collection method: clinical testing. Allele origin: germline.
Comment: Advanced modeling of protein sequence and biophysical properties (such as structural, functional, and spatial information, amino acid conservation, physicochemical variation, residue mobility, and thermodynamic stability) performed at Invitae indicates that this missense variant is not expected to disrupt RBFOX1 protein function. This variant has not been reported in the literature in individuals affected with RBFOX1-related conditions. This variant is not present in population databases (gnomAD no frequency). This sequence change replaces threonine, which is neutral and polar, with methionine, which is neutral and non-polar, at codon 247 of the RBFOX1 protein (p.Thr247Met). In summary, the available evidence is currently insufficient to determine the role of this variant in disease. Therefore, it has been classified as a Variant of Uncertain Significance.

NM_018723.4(RBFOX1):c.680C>T (p.Thr227Met)

Gene: RBFOX1 (RNA binding fox-1 homolog 1; plus strand). Cytogenetic location: 16p13.3.
Variant type: single nucleotide variant.
Coding change: c.680C>T on transcript NM_018723.4 (MANE Select); coding-DNA position 680, C replaced by T.
Protein change: p.Thr227Met; replaces threonine 227 with methionine.
Molecular consequence: missense variant. On other transcripts: intron variant (1).
Genome position (GRCh38, 1-based): chr16:7,630,606, C>T. VCF-style: chr16-7630606-C-T. GRCh37 (hg19) VCF-style: chr16-7680608-C-T.
Other names: c.680C>T, p.Thr227Met (NM_001142334.2, NM_001364800.2); c.809C>T, p.Thr270Met (NM_001308117.1); c.740C>T, p.Thr247Met (NM_145891.3, NM_145892.3, NM_145893.3); c.677-23209C>T (NM_001142333.2); short protein forms T227M, T247M, T270M.
Identifiers: ClinVar variation 2916426 (VCV002916426.3), dbSNP rs145006582, ClinGen allele CA277449969.
Genomic context (GRCh38, chr16:7,630,606, plus strand): 5'-CTCAGGTGTAGTGTACCGATTCCCAAACCAGATACCATCTCTCTCTCTCTTTCGTAGGCA[C>T]GGTCCTGTTGTGCCAGGCCAACCAGGAGGGATCTTCCATGTACAGTGCCCCCAGTTCACT-3'
Protein context (NP_061193.2, residues 217-237): AVYSPEFYAG[Thr227Met]VLLCQANQEG